The following is an entry in ClinVar:

NM_000277.3(PAH):c.292T>G (p.Leu98Val)

Gene: PAH (phenylalanine hydroxylase; minus strand). Cytogenetic location: 12q23.2.
Variant type: single nucleotide variant.
Coding change: c.292T>G on transcript NM_000277.3 (MANE Select); coding-DNA position 292, T replaced by G.
Protein change: p.Leu98Val; replaces leucine 98 with valine.
Molecular consequence: missense variant.
Genome position (GRCh38, 1-based): chr12:102,894,795, A>C on the plus strand (T>G on the coding strand, the complement: PAH is on the minus strand). VCF-style: chr12-102894795-A-C. GRCh37 (hg19) VCF-style: chr12-103288573-A-C.
Other names: c.292T>G, p.Leu98Val (NM_001354304.2); short protein forms L98V.
Identifiers: ClinVar variation 805817 (VCV000805817.1), dbSNP rs1592978725, ClinGen allele CA16020761.

ClinVar aggregate classification (germline): Likely pathogenic (3 of 4 stars; one submission).

Conditions:
Phenylketonuria (PKU). Also called: FOLLING DISEASE; Phenylketonuria (PKU); OLIGOPHRENIA PHENYLPYRUVICA; Phenylketonurias. Identifiers: Orphanet 716, MedGen C0031485, MONDO:0009861, OMIM 261600. Disease mechanism: loss of function.

Submission:

ClinGen PAH Variant Curation Expert Panel
Classification: Likely pathogenic for Phenylketonuria. Last evaluated: 2019-04-08. Review status: reviewed by expert panel. Criteria: ClinGen PAH ACMG Specifications v1. Collection method: curation. Allele origin: germline. Inheritance: Autosomal recessive inheritance.
Comment: The c.292T>G (p.Leu98Val) variant in PAH has been reported in multiple individuals with mild PKU (BH4 deficiency excluded). (PP4_Moderate; PMID: 26322415, 26503515). This variant is absent in population databases (PM2). This variant was detected in trans with p.R408W (P, 16 submitters) (PM3). Computational evidence is conflicting. In summary, this variant meets criteria to be classified as likely pathogenic for PAH. PAH-specific ACMG/AMP criteria applied: PP4_Moderate, PM2, PM3.

Literature cited by the submitters: PubMed 26322415; PubMed 26503515.